The following is an entry in ClinVar:

NM_013393.3(MRM2):c.321C>T (p.Phe107=)

Gene: MRM2 (mitochondrial rRNA methyltransferase 2; minus strand). Cytogenetic location: 7p22.3.
Variant type: single nucleotide variant.
Coding change: c.321C>T on transcript NM_013393.3 (MANE Select); coding-DNA position 321, C replaced by T.
Protein change: p.Phe107=; no amino-acid change (phenylalanine 107 retained).
Molecular consequence: synonymous variant.
Genome position (GRCh38, 1-based): chr7:2,235,542, G>A on the plus strand (C>T on the coding strand, the complement: MRM2 is on the minus strand). VCF-style: chr7-2235542-G-A. GRCh37 (hg19) VCF-style: chr7-2275177-G-A.
Identifiers: ClinVar variation 787048 (VCV000787048.5), dbSNP rs11547272, ClinGen allele CA4124006.

ClinVar aggregate classification (germline): Benign. Review status: criteria provided, single submitter (1 of 4 stars). 2 submissions from 2 submitters: Benign (1). 1 of the submissions does not count toward it. Last evaluated 2018-06-11.

Conditions:
MRM2-related disorder. Also called: MRM2-related condition.

Allele frequency attached by ClinVar (database versions not stated): gnomAD exomes 0.00167 and 0.00414; ExAC 0.00522; 1000 Genomes Project 0.01458; gnomAD 0.01617 and 0.01758; 1000 Genomes Project 30x 0.01624; TOPMed 0.01863; ESP Exome Variant Server 0.01915.
gnomAD v4.1: 5,005 of 1,611,642 alleles (0.31%); highest among the groups gnomAD compares: African/African-American, 5.8%; 144 homozygotes.

Submissions (2):

Labcorp Genetics (formerly Invitae), Labcorp
Classification: Benign. Last evaluated: 2018-06-11. Review status: criteria provided, single submitter. Criteria: Invitae Variant Classification Sherloc (09022015). Collection method: clinical testing. Allele origin: germline.

PreventionGenetics, part of Exact Sciences
Classification: Benign for MRM2-related condition. Last evaluated: 2019-12-23. Review status: no assertion criteria provided. Collection method: clinical testing. Allele origin: germline. Not counted in ClinVar's aggregate classification.
Comment: This variant is classified as benign based on ACMG/AMP sequence variant interpretation guidelines (Richards et al. 2015 PMID: 25741868, with internal and published modifications).